The following is an entry in ClinVar:

ClinVar aggregate classification (germline): Uncertain significance. Review status: criteria provided, multiple submitters, no conflicts (2 of 4 stars). 3 submissions from 3 submitters: Uncertain significance (3). Last evaluated 2019-07-11.

Conditions:
Dilated cardiomyopathy 1G (CMD1G). Identifiers: Orphanet 154, MedGen C1858763, MONDO:0011400, OMIM 604145.
Autosomal recessive limb-girdle muscular dystrophy type 2J (LGMDR10). Also called: Limb-girdle muscular dystrophy, type 2J; MUSCULAR DYSTROPHY, LIMB-GIRDLE, AUTOSOMAL RECESSIVE 10. Identifiers: Orphanet 140922, MedGen C1837342, MONDO:0012127, OMIM 608807.

Allele frequency attached by ClinVar (database versions not stated): ExAC 0.00002; gnomAD 0.00002; gnomAD exomes 0.00002; TOPMed 0.00002.
gnomAD v4.1: 8 of 1,613,558 alleles (0.0005%); highest among the groups gnomAD compares: Admixed American, 0.013%; no homozygotes.

Submissions (3):

Revvity Omics, Revvity
Classification: Uncertain significance. Last evaluated: 2019-07-11. Review status: criteria provided, single submitter. Criteria: ACMG Guidelines, 2015. Collection method: clinical testing. Allele origin: germline.

Labcorp Genetics (formerly Invitae), Labcorp
Classification: Uncertain significance for Dilated cardiomyopathy 1G; Autosomal recessive limb-girdle muscular dystrophy type 2J. Last evaluated: 2017-07-17. Review status: criteria provided, single submitter. Criteria: Invitae Variant Classification Sherloc (09022015). Collection method: clinical testing. Allele origin: germline.

Laboratory for Molecular Medicine, Mass General Brigham Personalized Medicine
Classification: Uncertain significance. Last evaluated: 2016-06-24. Review status: criteria provided, single submitter. Criteria: LMM Criteria. Collection method: clinical testing. Allele origin: germline. Observed: 1 variant allele.
Comment: The p.Met7260Leu variant in TTN has not been previously reported in individuals with cardiomyopathy, but has been identified in 2/11518 Latino chromosomes by th e Exome Aggregation Consortium (ExAC; dbSNP rs76 1929830). Computational prediction tools and conservation analysis suggest that the p.Met7260Leu variant may not impact the protein, though this information is not predictive enough to rule out pathogenicity. In summary, the clinical signif icance of the p.Met7260Leu variant is uncertain.

NM_001267550.2(TTN):c.25510A>C (p.Met8504Leu)

Gene: TTN (titin; minus strand). Cytogenetic location: 2q31.2.
Variant type: single nucleotide variant.
Coding change: c.25510A>C on transcript NM_001267550.2 (MANE Select); coding-DNA position 25510, A replaced by C.
Protein change: p.Met8504Leu; replaces methionine 8504 with leucine.
Molecular consequence: missense variant. On other transcripts: intron variant (3).
Genome position (GRCh38, 1-based): chr2:178,717,224, T>G on the plus strand (A>C on the coding strand, the complement: TTN is on the minus strand). VCF-style: chr2-178717224-T-G. GRCh37 (hg19) VCF-style: chr2-179581951-T-G.
Other names: c.21778A>C, p.Met7260Leu (NM_133378.4); c.24559A>C, p.Met8187Leu (NM_001256850.1); c.13282+20858A>C (NM_003319.4); c.13858+20858A>C (NM_133437.4); c.13657+20858A>C (NM_133432.3); short protein forms M8504L, M7260L, M8187L.
Identifiers: ClinVar variation 404719 (VCV000404719.10), dbSNP rs761929830, ClinGen allele CA2000202.